The following is an entry in ClinVar:

ClinVar aggregate classification (germline): Uncertain significance (1 of 4 stars; one submission).

gnomAD v4.1: 1 of 1,611,324 alleles (0.000062%); highest among the groups gnomAD compares: Non-Finnish European, 0.000085%; no homozygotes.

Submission:

Labcorp Genetics (formerly Invitae), Labcorp
Classification: Uncertain significance. Last evaluated: 2024-08-11. Review status: criteria provided, single submitter. Criteria: Invitae Variant Classification Sherloc (09022015). Collection method: clinical testing. Allele origin: germline.
Comment: This sequence change replaces glycine, which is neutral and non-polar, with aspartic acid, which is acidic and polar, at codon 208 of the C9 protein (p.Gly208Asp). This variant is not present in population databases (gnomAD no frequency). This variant has not been reported in the literature in individuals affected with C9-related conditions. Advanced modeling of protein sequence and biophysical properties (such as structural, functional, and spatial information, amino acid conservation, physicochemical variation, residue mobility, and thermodynamic stability) performed at Invitae indicates that this missense variant is not expected to disrupt C9 protein function with a negative predictive value of 80%. In summary, the available evidence is currently insufficient to determine the role of this variant in disease. Therefore, it has been classified as a Variant of Uncertain Significance.

NM_001737.5(C9):c.623G>A (p.Gly208Asp)

Gene: C9 (complement C9; minus strand). Cytogenetic location: 5p13.1.
Variant type: single nucleotide variant.
Coding change: c.623G>A on transcript NM_001737.5 (MANE Select); coding-DNA position 623, G replaced by A.
Protein change: p.Gly208Asp; replaces glycine 208 with aspartic acid.
Molecular consequence: missense variant.
Genome position (GRCh38, 1-based): chr5:39,316,022, C>T on the plus strand (G>A on the coding strand, the complement: C9 is on the minus strand). VCF-style: chr5-39316022-C-T. GRCh37 (hg19) VCF-style: chr5-39316124-C-T.
Other names: short protein forms G208D.
Identifiers: ClinVar variation 3673131 (VCV003673131.1).